The following is an entry in ClinVar:

NM_004360.5(CDH1):c.1214_1221del (p.Asn405fs)

Gene: CDH1 (cadherin 1; plus strand). Cytogenetic location: 16q22.1.
Variant type: Deletion.
Coding change: c.1214_1221del on transcript NM_004360.5 (MANE Select); coding-DNA positions 1214 to 1221, 8 bases deleted (ATACCCCA; older notation c.1214_1221delATACCCCA).
Protein change: p.Asn405fs; shifts the reading frame from asparagine 405.
Molecular consequence: frameshift variant. On other transcripts: 5 prime UTR variant (2), intron variant (1).
Genome position (GRCh38, 1-based): chr16:68,813,389-68,813,396, ATACCCCA deleted; deleting any 8 consecutive bases within chr16:68,813,384-68,813,396 gives the same sequence; the c. name uses the placement nearest the transcript's 3' end. VCF-style (leftmost placement, unchanged base first): chr16-68813383-CCCCCAATA-C. GRCh37 (hg19) VCF-style: chr16-68847286-CCCCCAATA-C.
Other names: c.-402_-395del (NM_001317185.2); c.-606_-599del (NM_001317186.2); c.1137+1126_1137+1133del (NM_001317184.2); short protein forms N405fs.
Identifiers: ClinVar variation 1751048 (VCV001751048.2), dbSNP rs2543926664, ClinGen allele CA2580091881.

ClinVar aggregate classification (germline): Pathogenic (1 of 4 stars; one submission).

Conditions:
Hereditary cancer-predisposing syndrome. Also called: Hereditary Cancer Syndrome; Hereditary neoplastic syndrome; Neoplastic Syndromes, Hereditary; Tumor predisposition. Identifiers: Orphanet 140162, MedGen C0027672, MeSH D009386, MONDO:0015356.

Submission:

Ambry Genetics
Classification: Pathogenic for Hereditary cancer-predisposing syndrome. Last evaluated: 2021-11-09. Review status: criteria provided, single submitter. Criteria: Ambry Variant Classification Scheme 2023. Collection method: clinical testing. Allele origin: germline.
Comment: The c.1214_1221delATACCCCA pathogenic mutation, located in coding exon 9 of the CDH1 gene, results from a deletion of 8 nucleotides at nucleotide positions 1214 to 1221, causing a translational frameshift with a predicted alternate stop codon (p.N405Sfs*11). This variant is considered to be rare based on population cohorts in the Genome Aggregation Database (gnomAD). This alteration is expected to result in loss of function by premature protein truncation or nonsense-mediated mRNA decay. As such, this alteration is interpreted as a disease-causing mutation.